The following is an entry in ClinVar:

NM_004304.5(ALK):c.2746G>A (p.Glu916Lys)

Gene: ALK (ALK receptor tyrosine kinase; minus strand). Cytogenetic location: 2p23.2.
Variant type: single nucleotide variant.
Coding change: c.2746G>A on transcript NM_004304.5 (MANE Select); coding-DNA position 2746, G replaced by A.
Protein change: p.Glu916Lys; replaces glutamic acid 916 with lysine.
Molecular consequence: missense variant.
Genome position (GRCh38, 1-based): chr2:29,228,953, C>T on the plus strand (G>A on the coding strand, the complement: ALK is on the minus strand). VCF-style: chr2-29228953-C-T. GRCh37 (hg19) VCF-style: chr2-29451819-C-T.
Other names: c.2746G>A (NM_004304.4); short protein forms E916K.
Identifiers: ClinVar variation 1487869 (VCV001487869.9), dbSNP rs2148180551, ClinGen allele CA346469712.
Genomic context (GRCh38, chr2:29,228,953, plus strand): 5'-CTCCGCCTCCTCCACCTGAGGAGCACCCCCCTCCACCCCCTCCGAAACCCCCTCTTGTCT[C>T]CCACCCCCACTTCTTCATGGCCTGGGGGCAGGAATGTCCTCCGGTGGCACCCTCCTGCAA-3'
Protein context (NP_004295.2, residues 906-926): CPQAMKKWGW[Glu916Lys]TRGGFGGGGG

ClinVar aggregate classification (germline): Uncertain significance. Review status: criteria provided, multiple submitters, no conflicts (2 of 4 stars). 2 submissions from 2 submitters: Uncertain significance (2). Last evaluated 2024-08-02.

Conditions:
Neuroblastoma, susceptibility to, 3. Also called: ALK-Related Neuroblastic Tumor Susceptibility. Identifiers: Orphanet 635, MedGen C2751681, MONDO:0013083, OMIM 613014.
Hereditary cancer-predisposing syndrome. Also called: Neoplastic Syndromes, Hereditary; Tumor predisposition; Hereditary neoplastic syndrome; Hereditary Cancer Syndrome. Identifiers: Orphanet 140162, MedGen C0027672, MeSH D009386, MONDO:0015356.

gnomAD v4.1: 1 of 1,006,292 alleles (0.000099%); highest among the groups gnomAD compares: Non-Finnish European, 0.00015%; no homozygotes.

Submissions (2):

Ambry Genetics
Classification: Uncertain significance for Hereditary cancer-predisposing syndrome. Last evaluated: 2024-08-02. Review status: criteria provided, single submitter. Criteria: Ambry Variant Classification Scheme 2023. Collection method: clinical testing. Allele origin: germline.
Comment: The p.E916K variant (also known as c.2746G>A), located in coding exon 16 of the ALK gene, results from a G to A substitution at nucleotide position 2746. The glutamic acid at codon 916 is replaced by lysine, an amino acid with similar properties. This amino acid position is conserved. In addition, the in silico prediction for this alteration is inconclusive. Based on the available evidence, the clinical significance of this variant remains unclear.

Labcorp Genetics (formerly Invitae), Labcorp
Classification: Uncertain significance for Neuroblastoma, susceptibility to, 3. Last evaluated: 2024-02-13. Review status: criteria provided, single submitter. Criteria: Invitae Variant Classification Sherloc (09022015). Collection method: clinical testing. Allele origin: germline.
Comment: This sequence change replaces glutamic acid, which is acidic and polar, with lysine, which is basic and polar, at codon 916 of the ALK protein (p.Glu916Lys). This variant is not present in population databases (gnomAD no frequency). This variant has not been reported in the literature in individuals affected with ALK-related conditions. ClinVar contains an entry for this variant (Variation ID: 1487869). An algorithm developed to predict the effect of missense changes on protein structure and function (PolyPhen-2) suggests that this variant is likely to be disruptive. In summary, the available evidence is currently insufficient to determine the role of this variant in disease. Therefore, it has been classified as a Variant of Uncertain Significance.